The following is an entry in ClinVar:

ClinVar aggregate classification (germline): Benign/Likely benign. Review status: criteria provided, multiple submitters, no conflicts (2 of 4 stars). 3 submissions from 3 submitters: Benign (1); Likely benign (2). Last evaluated 2026-04-21.

Conditions:
DICER1-related tumor predisposition. Also called: DICER1 syndrome; DICER1-related pleuropulmonary blastoma cancer predisposition syndrome. Identifiers: Orphanet 284343, MedGen C3839822, MONDO:0100216.
Hereditary cancer-predisposing syndrome. Also called: Tumor predisposition; Hereditary Cancer Syndrome; Hereditary neoplastic syndrome; Neoplastic Syndromes, Hereditary. Identifiers: Orphanet 140162, MedGen C0027672, MeSH D009386, MONDO:0015356.

Allele frequency attached by ClinVar (database versions not stated): gnomAD exomes below 0.00001; TOPMed below 0.00001.
gnomAD v4.1: 1 of 1,614,114 alleles (0.000062%); highest among the groups gnomAD compares: Non-Finnish European, 0.000085%; no homozygotes.

Submissions (3):

Myriad Genetics, Inc.
Classification: Benign for DICER1-related tumor predisposition. Last evaluated: 2026-04-21. Review status: criteria provided, single submitter. Criteria: Myriad Autosomal Dominant, Autosomal Recessive and X-Linked Classification Criteria (2023). Collection method: clinical testing. Allele origin: unknown.
Comment: This variant is considered benign. This variant is a silent/synonymous amino acid change and it is not expected to impact splicing.

Labcorp Genetics (formerly Invitae), Labcorp
Classification: Likely benign for DICER1-related tumor predisposition. Last evaluated: 2025-11-25. Review status: criteria provided, single submitter. Criteria: Invitae Variant Classification Sherloc (09022015). Collection method: clinical testing. Allele origin: germline.

Ambry Genetics
Classification: Likely benign for Hereditary cancer-predisposing syndrome. Last evaluated: 2018-12-18. Review status: criteria provided, single submitter. Criteria: Ambry Variant Classification Scheme 2023. Collection method: clinical testing. Allele origin: germline.

NM_177438.3(DICER1):c.5343A>G (p.Glu1781=)

Gene: DICER1 (dicer 1, ribonuclease III; minus strand). Cytogenetic location: 14q32.13.
Variant type: single nucleotide variant.
Coding change: c.5343A>G on transcript NM_177438.3 (MANE Select); coding-DNA position 5343, A replaced by G.
Protein change: p.Glu1781=; no amino-acid change (glutamic acid 1781 retained).
Molecular consequence: synonymous variant.
Genome position (GRCh38, 1-based): chr14:95,093,909, T>C on the plus strand (A>G on the coding strand, the complement: DICER1 is on the minus strand). VCF-style: chr14-95093909-T-C. GRCh37 (hg19) VCF-style: chr14-95560246-T-C.
Other names: c.5343A>G, p.Glu1781= (NM_001195573.1, NM_001271282.3, NM_001291628.2 and 1 more transcripts).
Identifiers: ClinVar variation 825666 (VCV000825666.13), dbSNP rs1595329305, ClinGen allele CA487625614.